The following is an entry in ClinVar:

NM_004092.4(ECHS1):c.656del (p.Val219fs)

Gene: ECHS1 (enoyl-CoA hydratase, short chain 1; minus strand). Cytogenetic location: 10q26.3.
Variant type: Deletion.
Coding change: c.656del on transcript NM_004092.4 (MANE Select); coding-DNA position 656, one base deleted (T; older notation c.656delT).
Protein change: p.Val219fs; shifts the reading frame from valine 219.
Molecular consequence: frameshift variant.
Genome position (GRCh38, 1-based): chr10:133,366,059, A deleted on the plus strand (T on the coding strand, the reverse complement: ECHS1 is on the minus strand). VCF-style (leftmost placement, unchanged base first): chr10-133366058-CA-C. GRCh37 (hg19) VCF-style: chr10-135179562-CA-C.
Other names: short protein forms V219fs.
Identifiers: ClinVar variation 5007678 (VCV005007678.2).
Genomic context (GRCh38, chr10:133,366,058, plus strand): 5'-CATCGCTACTACAATTTTAGAATTGCTGGCAATTTTTTCTGCACACTGGATGGCTTCTTC[CA>C]CCAGTGTCTCAACAGGACAAATCTTGCTGACAAGACCTGAAACACAAGAAAGTCAGTGAG-3'

ClinVar aggregate classification (germline): Likely pathogenic (1 of 4 stars; one submission).

Conditions:
Mitochondrial short-chain Enoyl-Coa hydratase 1 deficiency. Also called: ECHS1 deficiency; Mitochondrial Short-Chain Enoyl-CoA Hydratase Deficiency; PxMD-ECHS1. Identifiers: Orphanet 255241, Orphanet 653880, MedGen C4225391, MONDO:0014563, OMIM 616277.

Submission:

Juno Genomics, Hangzhou Juno Genomics, Inc
Classification: Likely pathogenic for Mitochondrial short-chain Enoyl-Coa hydratase 1 deficiency. Review status: criteria provided, single submitter. Criteria: ACMG Guidelines, 2015. Collection method: clinical testing. Allele origin: germline.
Comment: Null variant in a gene where loss of function (LOF) is a known mechanism of disease.;Absent from controls (or at extremely low frequency if recessive) in Genome Aggregation Database.